The following is an entry in ClinVar:

NM_017534.6(MYH2):c.5382G>C (p.Gln1794His)

Genes: MYHAS (myosin heavy chain gene cluster antisense RNA; plus strand), MYH2 (myosin heavy chain 2; minus strand). Cytogenetic location: 17p13.1.
Variant type: single nucleotide variant.
Coding change: c.5382G>C on transcript NM_017534.6 (MANE Select); coding-DNA position 5382, G replaced by C.
Protein change: p.Gln1794His; replaces glutamine 1794 with histidine.
Molecular consequence: missense variant.
Genome position (GRCh38, 1-based): chr17:10,523,586, C>G on the plus strand (G>C on the coding strand, the complement: MYH2 is on the minus strand). VCF-style: chr17-10523586-C-G. GRCh37 (hg19) VCF-style: chr17-10426903-C-G.
Other names: c.5382G>C, p.Gln1794His (NM_001100112.2); short protein forms Q1794H.
Identifiers: ClinVar variation 569762 (VCV000569762.6), dbSNP rs1567726803, ClinGen allele CA398116463.
Genomic context (GRCh38, chr17:10,523,586, plus strand): 5'-CCCACCCTTCAGGGCCAGCTGCTCAGCCTCATCCAGACGGAGCTGCAGATCCTTCACGGT[C>G]TGCTCCATGTTCTTCTTCATCCGCTCCAGGTGGGCGCTGGTGTCCTGCTCCTTCTTCAGC-3'
Protein context (NP_060004.3, residues 1784-1804): HLERMKKNME[Gln1794His]TVKDLQLRLD

ClinVar aggregate classification (germline): Uncertain significance (1 of 4 stars; one submission).

Conditions:
Myopathy, proximal, and ophthalmoplegia (CMYO6). Also called: MYOPATHY WITH CONGENITAL JOINT CONTRACTURES, OPHTHALMOPLEGIA, AND RIMMED VACUOLES; INCLUSION BODY MYOPATHY 3, AUTOSOMAL DOMINANT; CONGENITAL MYOPATHY 6 WITH OPHTHALMOPLEGIA. Identifiers: Orphanet 363677, Orphanet 79091, MedGen C1854106, MONDO:0011577, OMIM 605637.

Submission:

Labcorp Genetics (formerly Invitae), Labcorp
Classification: Uncertain significance for Myopathy, proximal, and ophthalmoplegia. Last evaluated: 2018-03-07. Review status: criteria provided, single submitter. Criteria: Invitae Variant Classification Sherloc (09022015). Collection method: clinical testing. Allele origin: germline.
Comment: In summary, the available evidence is currently insufficient to determine the role of this variant in disease. Therefore, it has been classified as a Variant of Uncertain Significance. Algorithms developed to predict the effect of missense changes on protein structure and function do not agree on the potential impact of this missense change (SIFT: "Deleterious"; PolyPhen-2: "Probably Damaging"; Align-GVGD: "Class C15"). This sequence change replaces glutamine with histidine at codon 1794 of the MYH2 protein (p.Gln1794His). The glutamine residue is highly conserved and there is a small physicochemical difference between glutamine and histidine. This variant has not been reported in the literature in individuals with MYH2-related disease. This variant is not present in population databases (ExAC no frequency).